The following is an entry in ClinVar:

ClinVar aggregate classification (germline): Likely benign. Review status: criteria provided, single submitter (1 of 4 stars). 2 submissions from 2 submitters: Likely benign (1). 1 of the submissions does not count toward it. Last evaluated 2025-10-28.

Conditions:
HIVEP2-related disorder. Also called: HIVEP2-related condition.

Allele frequency attached by ClinVar (database versions not stated): gnomAD 0.00011 and 0.00013; ExAC 0.00016; TOPMed 0.00019; gnomAD exomes 0.00022; 1000 Genomes Project 0.00060; 1000 Genomes Project 30x 0.00094.
gnomAD v4.1: 167 of 1,614,106 alleles (0.01%); highest among the groups gnomAD compares: East Asian, 0.23%; 1 homozygote.

Submissions (2):

Labcorp Genetics (formerly Invitae), Labcorp
Classification: Likely benign. Last evaluated: 2025-10-28. Review status: criteria provided, single submitter. Criteria: Invitae Variant Classification Sherloc (09022015). Collection method: clinical testing. Allele origin: germline.

PreventionGenetics, part of Exact Sciences
Classification: Likely benign for HIVEP2-related condition. Last evaluated: 2019-02-22. Review status: no assertion criteria provided. Collection method: clinical testing. Allele origin: germline. Not counted in ClinVar's aggregate classification.
Comment: This variant is classified as likely benign based on ACMG/AMP sequence variant interpretation guidelines (Richards et al. 2015 PMID: 25741868, with internal and published modifications).

NM_006734.4(HIVEP2):c.4855G>A (p.Val1619Met)

Gene: HIVEP2 (HIVEP zinc finger 2; minus strand). Cytogenetic location: 6q24.2.
Variant type: single nucleotide variant.
Coding change: c.4855G>A on transcript NM_006734.4 (MANE Select); coding-DNA position 4855, G replaced by A.
Protein change: p.Val1619Met; replaces valine 1619 with methionine.
Molecular consequence: missense variant.
Genome position (GRCh38, 1-based): chr6:142,769,884, C>T on the plus strand (G>A on the coding strand, the complement: HIVEP2 is on the minus strand). VCF-style: chr6-142769884-C-T. GRCh37 (hg19) VCF-style: chr6-143091021-C-T.
Other names: short protein forms V1619M.
Identifiers: ClinVar variation 737755 (VCV000737755.10), dbSNP rs199846091, ClinGen allele CA4027994.
Genomic context (GRCh38, chr6:142,769,884, plus strand): 5'-GGAACTGAAGAATCTGCTGGAAATCTGCCATGTCCGTGAGAAGAAGAGTTGAGTCTGCCA[C>T]GTTCCCGCTGGGGGCAGAGGCCATGCGGACCAGCATGCCAACAGGCCGCTTGTGGCCCTT-3'
Protein context (NP_006725.3, residues 1609-1629): VRMASAPSGN[Val1619Met]ADSTLLLTDM